The following is an entry in ClinVar:

ClinVar aggregate classification (germline): Benign/Likely benign. Review status: criteria provided, multiple submitters, no conflicts (2 of 4 stars). 7 submissions from 7 submitters: Benign (1); Likely benign (6). Last evaluated 2026-07-01.

Conditions:
Hereditary cancer-predisposing syndrome. Also called: Neoplastic Syndromes, Hereditary; Tumor predisposition; Hereditary Cancer Syndrome; Hereditary neoplastic syndrome. Identifiers: Orphanet 140162, MedGen C0027672, MeSH D009386, MONDO:0015356.
Multiple endocrine neoplasia, type 2 (MEN2). Identifiers: Orphanet 653, MedGen C4048306, MONDO:0019003. Disease mechanism: gain of function.
Multiple endocrine neoplasia type 2A. Also called: MULTIPLE ENDOCRINE NEOPLASIA, TYPE IIA; PTC SYNDROME; SIPPLE SYNDROME; MEN 2A; MEN-2A syndrome; Pheochromocytoma and amyloid producing medullary thyroid carcinoma. Identifiers: Orphanet 247698, Orphanet 653, MedGen C0025268, MeSH D018813, MONDO:0008234, OMIM 171400.

Allele frequency attached by ClinVar (database versions not stated): gnomAD 0.00001; TOPMed 0.00005; ExAC 0.00009.
gnomAD v4.1: 44 of 1,613,276 alleles (0.0027%); highest among the groups gnomAD compares: South Asian, 0.025%; no homozygotes.

Submissions (7):

CeGaT Center for Human Genetics Tuebingen
Classification: Likely benign. Last evaluated: 2026-07-01. Review status: criteria provided, single submitter. Criteria: CeGaT Center For Human Genetics Tuebingen Variant Classification Criteria Version 2. Collection method: clinical testing. Allele origin: germline. Affected: yes. Observed: 1 variant allele.
Comment: RET: BP4, BP7

Labcorp Genetics (formerly Invitae), Labcorp
Classification: Likely benign for Multiple endocrine neoplasia, type 2. Last evaluated: 2026-01-28. Review status: criteria provided, single submitter. Criteria: Invitae Variant Classification Sherloc (09022015). Collection method: clinical testing. Allele origin: germline.

Myriad Genetics, Inc.
Classification: Benign for Multiple endocrine neoplasia type 2A. Last evaluated: 2025-02-26. Review status: criteria provided, single submitter. Criteria: Myriad Autosomal Dominant, Autosomal Recessive and X-Linked Classification Criteria (2023). Collection method: clinical testing. Allele origin: unknown.
Comment: This variant is considered benign. This variant is a silent/synonymous amino acid change and it is not expected to impact splicing.

Color Diagnostics, LLC DBA Color Health
Classification: Likely benign for Multiple endocrine neoplasia, type 2. Last evaluated: 2022-11-06. Review status: criteria provided, single submitter. Criteria: ACMG Guidelines, 2015. Collection method: clinical testing. Allele origin: germline.

Mendelics
Classification: Likely benign for Multiple endocrine neoplasia type 2A. Last evaluated: 2019-05-28. Review status: criteria provided, single submitter. Criteria: Mendelics Assertion Criteria 2017. Collection method: clinical testing. Allele origin: unknown.

PreventionGenetics, part of Exact Sciences
Classification: Likely benign. Last evaluated: 2018-01-24. Review status: criteria provided, single submitter. Criteria: ACMG Guidelines, 2015. Collection method: clinical testing. Allele origin: germline.

Ambry Genetics
Classification: Likely benign for Hereditary cancer-predisposing syndrome. Last evaluated: 2016-01-25. Review status: criteria provided, single submitter. Criteria: Ambry Variant Classification Scheme 2023. Collection method: clinical testing. Allele origin: germline.

NM_020975.6(RET):c.2289C>T (p.Asn763=)

Gene: RET (ret proto-oncogene; plus strand). Cytogenetic location: 10q11.21.
Variant type: single nucleotide variant.
Coding change: c.2289C>T on transcript NM_020975.6 (MANE Select); coding-DNA position 2289, C replaced by T.
Protein change: p.Asn763=; no amino-acid change (asparagine 763 retained).
Molecular consequence: synonymous variant.
Genome position (GRCh38, 1-based): chr10:43,118,377, C>T. VCF-style: chr10-43118377-C-T. GRCh37 (hg19) VCF-style: chr10-43613825-C-T.
Other names: c.2289C>T, p.Asn763= (NM_000323.2, NM_001406743.1, NM_001406744.1 and 4 more transcripts); c.1527C>T, p.Asn509= (NM_001355216.2); c.2160C>T, p.Asn720= (NM_001406761.1, NM_001406762.1, NM_001406764.1); c.2154C>T, p.Asn718= (NM_001406763.1, NM_001406765.1); c.2001C>T, p.Asn667= (NM_001406766.1, NM_001406767.1, NM_001406770.1); c.2025C>T, p.Asn675= (NM_001406768.1); c.1893C>T, p.Asn631= (NM_001406769.1, NM_001406772.1); c.1851C>T, p.Asn617= (NM_001406771.1, NM_001406773.1); and 10 more.
Identifiers: ClinVar variation 215910 (VCV000215910.21), dbSNP rs777349208, ClinGen allele CA038411.